The following is an entry in ClinVar:

NM_001253852.3(AP4B1):c.172G>C (p.Ala58Pro)

Gene: AP4B1 (adaptor related protein complex 4 subunit beta 1; minus strand). Cytogenetic location: 1p13.2.
Variant type: single nucleotide variant.
Coding change: c.172G>C on transcript NM_001253852.3 (MANE Select); coding-DNA position 172, G replaced by C.
Protein change: p.Ala58Pro; replaces alanine 58 with proline.
Molecular consequence: missense variant. On other transcripts: intron variant (2).
Genome position (GRCh38, 1-based): chr1:113,902,804, C>G on the plus strand (G>C on the coding strand, the complement: AP4B1 is on the minus strand). VCF-style: chr1-113902804-C-G. GRCh37 (hg19) VCF-style: chr1-114445426-C-G.
Other names: c.172G>C, p.Ala58Pro (NM_006594.5); c.-56-70G>C (NM_001253853.3); c.113+1801G>C (NM_001308312.2); c.172G>C (NM_006594.2); short protein forms A58P.
Identifiers: ClinVar variation 1402412 (VCV001402412.5), dbSNP rs754770476, ClinGen allele CA1016171.

ClinVar aggregate classification (germline): Uncertain significance. Review status: criteria provided, multiple submitters, no conflicts (2 of 4 stars). 3 submissions from 3 submitters: Uncertain significance (3). Last evaluated 2025-04-30.

Conditions:
Hereditary spastic paraplegia 47. Also called: CEREBRAL PALSY, SPASTIC QUADRIPLEGIC, 5; Spastic paraplegia 47, autosomal recessive; adaptor protein 4 (AP-4) deficiency syndrome. Identifiers: Orphanet 280763, MedGen C3279738, MONDO:0013551, OMIM 614066.
Inborn genetic diseases. Identifiers: MedGen C0950123, MeSH D030342.

Allele frequency attached by ClinVar (database versions not stated): TOPMed 0.00002; ExAC 0.00002; gnomAD exomes 0.00004 and 0.00002.
gnomAD v4.1: 10 of 1,614,232 alleles (0.00062%); highest among the groups gnomAD compares: Admixed American, 0.017%; no homozygotes.

Submissions (3):

Ambry Genetics
Classification: Uncertain significance for Inborn genetic diseases. Last evaluated: 2025-04-30. Review status: criteria provided, single submitter. Criteria: Ambry Variant Classification Scheme 2023. Collection method: clinical testing. Allele origin: germline.

Genome-Nilou Lab
Classification: Uncertain significance for Hereditary spastic paraplegia 47. Last evaluated: 2023-04-11. Review status: criteria provided, single submitter. Criteria: ACMG Guidelines, 2015. Collection method: clinical testing. Allele origin: germline. Affected: no.

Labcorp Genetics (formerly Invitae), Labcorp
Classification: Uncertain significance for Hereditary spastic paraplegia 47. Last evaluated: 2021-12-02. Review status: criteria provided, single submitter. Criteria: Invitae Variant Classification Sherloc (09022015). Collection method: clinical testing. Allele origin: germline.
Comment: This sequence change replaces alanine, which is neutral and non-polar, with proline, which is neutral and non-polar, at codon 58 of the AP4B1 protein (p.Ala58Pro). This variant is present in population databases (rs754770476, gnomAD 0.03%). This variant has not been reported in the literature in individuals affected with AP4B1-related conditions. Algorithms developed to predict the effect of missense changes on protein structure and function are either unavailable or do not agree on the potential impact of this missense change (SIFT: "Deleterious"; PolyPhen-2: "Probably Damaging"; Align-GVGD: "Class C0"). In summary, the available evidence is currently insufficient to determine the role of this variant in disease. Therefore, it has been classified as a Variant of Uncertain Significance.